The following is an entry in ClinVar:

ClinVar aggregate classification (germline): Uncertain significance (1 of 4 stars; one submission).

gnomAD v4.1: 11 of 1,613,952 alleles (0.00068%); highest among the groups gnomAD compares: Non-Finnish European, 0.00093%; no homozygotes.

Submission:

GeneDx
Classification: Uncertain significance. Last evaluated: 2025-04-04. Review status: criteria provided, single submitter. Criteria: GeneDx Variant Classification Process June 2021. Collection method: clinical testing. Allele origin: germline. Affected: yes.
Comment: Not observed at significant frequency in large population cohorts (gnomAD); In silico analysis indicates that this missense variant does not alter protein structure/function; Has not been previously published as pathogenic or benign to our knowledge

NM_000384.3(APOB):c.8936G>C (p.Gly2979Ala)

Gene: APOB (apolipoprotein B; minus strand). Cytogenetic location: 2p24.1.
Variant type: single nucleotide variant.
Coding change: c.8936G>C on transcript NM_000384.3 (MANE Select); coding-DNA position 8936, G replaced by C.
Protein change: p.Gly2979Ala; replaces glycine 2979 with alanine.
Molecular consequence: missense variant.
Genome position (GRCh38, 1-based): chr2:21,007,932, C>G on the plus strand (G>C on the coding strand, the complement: APOB is on the minus strand). VCF-style: chr2-21007932-C-G. GRCh37 (hg19) VCF-style: chr2-21230804-C-G.
Other names: short protein forms G2979A.
Identifiers: ClinVar variation 4278535 (VCV004278535.1).
Genomic context (GRCh38, chr2:21,007,932, plus strand): 5'-TGGCCCACATGCTGGGAATCGACTTGTGATTGAATTTCAAGTTTAGAAAAGTTGAGGGAG[C>G]CAGATTCATAAACCAAGTTTTGGTTTACTCTTAGGTGTTTGCTATTGATCTTATTGGACA-3'
Protein context (NP_000375.3, residues 2969-2989): RVNQNLVYES[Gly2979Ala]SLNFSKLEIQ